The following is an entry in ClinVar:

NM_206996.4(SPAG17):c.3450T>C (p.Asp1150=)

Gene: SPAG17 (sperm associated antigen 17; minus strand). Cytogenetic location: 1p12.
Variant type: single nucleotide variant.
Coding change: c.3450T>C on transcript NM_206996.4 (MANE Select); coding-DNA position 3450, T replaced by C.
Protein change: p.Asp1150=; no amino-acid change (aspartic acid 1150 retained).
Molecular consequence: synonymous variant.
Genome position (GRCh38, 1-based): chr1:118,031,851, A>G on the plus strand (T>C on the coding strand, the complement: SPAG17 is on the minus strand). VCF-style: chr1-118031851-A-G. GRCh37 (hg19) VCF-style: chr1-118574474-A-G.
Identifiers: ClinVar variation 791222 (VCV000791222.8), dbSNP rs113573561, ClinGen allele CA1033680.
Genomic context (GRCh38, chr1:118,031,851, plus strand): 5'-CACTATAACAGGAACCACTGTTGGAGTGAGTGCTGAAGGGATATTCAATATTGTTTCTAA[A>G]TCAGGATCCTTATCTTCTATAAGCAGAAAAAGTAAAAATGAAGTTGATTCAACATTCATA-3'
Protein context (NP_996879.1, residues 1140-1160): NGMAPEDKDP[Asp1150=]LETILNIPSA

ClinVar aggregate classification (germline): Benign/Likely benign. Review status: criteria provided, multiple submitters, no conflicts (2 of 4 stars). 4 submissions from 4 submitters: Benign (2); Likely benign (1). 1 of the submissions does not count toward it. Last evaluated 2024-11-14.

Conditions:
SPAG17-related disorder. Also called: SPAG17-related condition.

Allele frequency attached by ClinVar (database versions not stated): gnomAD exomes 0.00033 and 0.00104; ExAC 0.00125; ESP Exome Variant Server 0.00400; gnomAD 0.00403 and 0.00437; TOPMed 0.00432; 1000 Genomes Project 0.00459; 1000 Genomes Project 30x 0.00547.
gnomAD v4.1: 1,115 of 1,601,414 alleles (0.07%); highest among the groups gnomAD compares: African/African-American, 1.3%; 5 homozygotes.

Submissions (4):

Blueprint Genetics
Classification: Likely benign. Last evaluated: 2024-11-14. Review status: criteria provided, single submitter. Criteria: ACMG Guidelines, 2015. Collection method: clinical testing. Allele origin: germline.

Labcorp Genetics (formerly Invitae), Labcorp
Classification: Benign. Last evaluated: 2019-12-31. Review status: criteria provided, single submitter. Criteria: Invitae Variant Classification Sherloc (09022015). Collection method: clinical testing. Allele origin: germline.

Breakthrough Genomics
Classification: Benign. Review status: criteria provided, single submitter. Criteria: ACMG Guidelines, 2015. Collection method: not provided. Allele origin: germline. Inheritance: Autosomal recessive inheritance. Affected: yes.

PreventionGenetics, part of Exact Sciences
Classification: Benign for SPAG17-related condition. Last evaluated: 2019-08-14. Review status: no assertion criteria provided. Collection method: clinical testing. Allele origin: germline. Not counted in ClinVar's aggregate classification.
Comment: This variant is classified as benign based on ACMG/AMP sequence variant interpretation guidelines (Richards et al. 2015 PMID: 25741868, with internal and published modifications).